The following is an entry in ClinVar:

ClinVar aggregate classification (germline): Uncertain significance (1 of 4 stars; one submission).

Conditions:
Inborn genetic diseases. Identifiers: MedGen C0950123, MeSH D030342.

gnomAD v4.1: 1 of 1,608,424 alleles (0.000062%); highest among the groups gnomAD compares: Non-Finnish European, 0.000085%; no homozygotes.

Submission:

Ambry Genetics
Classification: Uncertain significance for Inborn genetic diseases. Last evaluated: 2025-08-10. Review status: criteria provided, single submitter. Criteria: Ambry Variant Classification Scheme 2023. Collection method: clinical testing. Allele origin: germline.
Comment: The p.P539T variant (also known as c.1615C>A), located in coding exon 14 of the KDM1A gene, results from a C to A substitution at nucleotide position 1615. The proline at codon 539 is replaced by threonine, an amino acid with highly similar properties. This amino acid position is conserved. In addition, this alteration is predicted to be tolerated by in silico analysis. Based on the available evidence, the clinical significance of this variant remains unclear.

NM_001009999.3(KDM1A):c.1615C>A (p.Pro539Thr)

Gene: KDM1A (lysine demethylase 1A; plus strand). Cytogenetic location: 1p36.12.
Variant type: single nucleotide variant.
Coding change: c.1615C>A on transcript NM_001009999.3 (MANE Select); coding-DNA position 1615, C replaced by A.
Protein change: p.Pro539Thr; replaces proline 539 with threonine.
Molecular consequence: missense variant.
Genome position (GRCh38, 1-based): chr1:23,072,190, C>A. VCF-style: chr1-23072190-C-A. GRCh37 (hg19) VCF-style: chr1-23398683-C-A.
Other names: c.1543C>A, p.Pro515Thr (NM_001410763.1, NM_015013.4, NM_001363654.2); c.1603C>A, p.Pro535Thr (NM_001410762.1); short protein forms P515T, P535T, P539T.
Identifiers: ClinVar variation 4091092 (VCV004091092.1).